The following is an entry in ClinVar:

ClinVar aggregate classification (germline): Likely benign (1 of 4 stars; one submission).

Allele frequency attached by ClinVar (database versions not stated): 1000 Genomes Project 0.02496; 1000 Genomes Project 30x 0.02608; TOPMed 0.02647; gnomAD 0.02651 and 0.02678.
gnomAD v4.1: 4,003 of 152,160 alleles (2.6%); highest among the groups gnomAD compares: African/African-American, 3.4%; 59 homozygotes.

Submission:

GeneDx
Classification: Likely benign. Last evaluated: 2018-06-14. Review status: criteria provided, single submitter. Criteria: GeneDx Variant Classification (06012015). Collection method: clinical testing. Allele origin: germline. Affected: yes.
Comment: This variant is considered likely benign or benign based on one or more of the following criteria: it is a conservative change, it occurs at a poorly conserved position in the protein, it is predicted to be benign by multiple in silico algorithms, and/or has population frequency not consistent with disease.

NM_004415.4(DSP):c.170+235G>A

Genes: DSP (desmoplakin; plus strand), DSP-AS1 (DSP antisense RNA 1; minus strand). Cytogenetic location: 6p24.3.
Variant type: single nucleotide variant.
Coding change: c.170+235G>A on transcript NM_004415.4 (MANE Select); 235 bases into the intron after coding-DNA position 170, G replaced by A.
Molecular consequence: intron variant.
Genome position (GRCh38, 1-based): chr6:7,542,320, G>A. VCF-style: chr6-7542320-G-A. GRCh37 (hg19) VCF-style: chr6-7542553-G-A.
Other names: c.170+235G>A (NM_001319034.2, NM_001008844.3).
Identifiers: ClinVar variation 678688 (VCV000678688.1), dbSNP rs115370329, ClinGen allele CA133980580.